The following is an entry in ClinVar:

NM_000138.5(FBN1):c.4748-98G>A

Gene: FBN1 (fibrillin 1; minus strand). Cytogenetic location: 15q21.1.
Variant type: single nucleotide variant.
Coding change: c.4748-98G>A on transcript NM_000138.5 (MANE Select); 98 bases into the intron before coding-DNA position 4748, G replaced by A.
Molecular consequence: intron variant.
Genome position (GRCh38, 1-based): chr15:48,465,956, C>T on the plus strand (G>A on the coding strand, the complement: FBN1 is on the minus strand). VCF-style: chr15-48465956-C-T. GRCh37 (hg19) VCF-style: chr15-48758153-C-T.
Identifiers: ClinVar variation 675940 (VCV000675940.1), dbSNP rs77143634, ClinGen allele CA269549891.

ClinVar aggregate classification (germline): Likely benign (1 of 4 stars; one submission).

Allele frequency attached by ClinVar (database versions not stated): gnomAD 0.00527 and 0.00561; TOPMed 0.00577; 1000 Genomes Project 0.00699; 1000 Genomes Project 30x 0.00812.
gnomAD v4.1: 1,197 of 842,274 alleles (0.14%); highest among the groups gnomAD compares: African/African-American, 1.8%; 7 homozygotes.

Submission:

GeneDx
Classification: Likely benign. Last evaluated: 2018-06-14. Review status: criteria provided, single submitter. Criteria: GeneDx Variant Classification (06012015). Collection method: clinical testing. Allele origin: germline. Affected: yes.
Comment: This variant is considered likely benign or benign based on one or more of the following criteria: it is a conservative change, it occurs at a poorly conserved position in the protein, it is predicted to be benign by multiple in silico algorithms, and/or has population frequency not consistent with disease.